The following is an entry in ClinVar:

ClinVar aggregate classification (germline): Uncertain significance (1 of 4 stars; one submission).

Conditions:
Immunodeficiency 104. Also called: SCID, AUTOSOMAL RECESSIVE, T CELL-NEGATIVE, B CELL-POSITIVE, NK CELL-POSITIVE; Severe Combined Immune Deficiency, Autosomal Recessive, TCell -Negative, B Cell-Positive, NK Cell-Positive, IL7R-Related; Severe combined immunodeficiency, autosomal recessive, T cell-negative, B cell-positive, NK cell-positive; IMMUNODEFICIENCY 104, SEVERE COMBINED. Identifiers: MedGen C5676890, MONDO:0012163, OMIM 608971.

Submission:

Labcorp Genetics (formerly Invitae), Labcorp
Classification: Uncertain significance for Severe combined immunodeficiency, autosomal recessive, T cell-negative, B cell-positive, NK cell-positive. Last evaluated: 2019-06-28. Review status: criteria provided, single submitter. Criteria: Invitae Variant Classification Sherloc (09022015). Collection method: clinical testing. Allele origin: germline.
Comment: This sequence change replaces leucine with proline at codon 832 of the PTPRC protein (p.Leu832Pro). The leucine residue is highly conserved and there is a moderate physicochemical difference between leucine and proline. This variant is not present in population databases (ExAC no frequency). This variant has not been reported in the literature in individuals with PTPRC-related disease. Algorithms developed to predict the effect of missense changes on protein structure and function (SIFT, PolyPhen-2, Align-GVGD) all suggest that this variant is likely to be disruptive, but these predictions have not been confirmed by published functional studies and their clinical significance is uncertain. In summary, the available evidence is currently insufficient to determine the role of this variant in disease. Therefore, it has been classified as a Variant of Uncertain Significance.

NM_002838.5(PTPRC):c.2495T>C (p.Leu832Pro)

Gene: PTPRC (protein tyrosine phosphatase receptor type C; plus strand). Cytogenetic location: 1q32.1.
Variant type: single nucleotide variant.
Coding change: c.2495T>C on transcript NM_002838.5 (MANE Select); coding-DNA position 2495, T replaced by C.
Protein change: p.Leu832Pro; replaces leucine 832 with proline.
Molecular consequence: missense variant.
Genome position (GRCh38, 1-based): chr1:198,741,960, T>C. VCF-style: chr1-198741960-T-C. GRCh37 (hg19) VCF-style: chr1-198711089-T-C.
Other names: c.2012T>C, p.Leu671Pro (NM_080921.4); short protein forms L832P, L671P.
Identifiers: ClinVar variation 574004 (VCV000574004.2), dbSNP rs1558034292, ClinGen allele CA344050439.
Genomic context (GRCh38, chr1:198,741,960, plus strand): 5'-CTCACATTCAGTTCACCAGCTGGCCAGACCACGGGGTGCCTGAGGATCCTCACTTGCTCC[T>C]CAAACTGAGAAGGAGAGTGAATGCCTTCAGCAATTTCTTCAGTGGTCCCATTGTGGTGCA-3'
Protein context (NP_002829.3, residues 822-842): HGVPEDPHLL[Leu832Pro]KLRRRVNAFS